The following is an entry in ClinVar:

NM_001457.4(FLNB):c.3836A>G (p.Glu1279Gly)

Gene: FLNB (filamin B; plus strand). Cytogenetic location: 3p14.3.
Variant type: single nucleotide variant.
Coding change: c.3836A>G on transcript NM_001457.4 (MANE Select); coding-DNA position 3836, A replaced by G.
Protein change: p.Glu1279Gly; replaces glutamic acid 1279 with glycine.
Molecular consequence: missense variant.
Genome position (GRCh38, 1-based): chr3:58,124,443, A>G. VCF-style: chr3-58124443-A-G. GRCh37 (hg19) VCF-style: chr3-58110170-A-G.
Other names: c.3836A>G, p.Glu1279Gly (NM_001164317.2, NM_001164318.2, NM_001164319.2); short protein forms E1279G.
Identifiers: ClinVar variation 1390753 (VCV001390753.6), dbSNP rs2107179733, ClinGen allele CA353349617.

ClinVar aggregate classification (germline): Uncertain significance (1 of 4 stars; one submission).

Submission:

Labcorp Genetics (formerly Invitae), Labcorp
Classification: Uncertain significance. Last evaluated: 2024-06-25. Review status: criteria provided, single submitter. Criteria: Invitae Variant Classification Sherloc (09022015). Collection method: clinical testing. Allele origin: germline.
Comment: This sequence change replaces glutamic acid, which is acidic and polar, with glycine, which is neutral and non-polar, at codon 1279 of the FLNB protein (p.Glu1279Gly). This variant is not present in population databases (gnomAD no frequency). This variant has not been reported in the literature in individuals affected with FLNB-related conditions. ClinVar contains an entry for this variant (Variation ID: 1390753). Advanced modeling of protein sequence and biophysical properties (such as structural, functional, and spatial information, amino acid conservation, physicochemical variation, residue mobility, and thermodynamic stability) performed at Invitae indicates that this missense variant is not expected to disrupt FLNB protein function with a negative predictive value of 95%. In summary, the available evidence is currently insufficient to determine the role of this variant in disease. Therefore, it has been classified as a Variant of Uncertain Significance.